The following is an entry in ClinVar:

ClinVar aggregate classification (germline): Uncertain significance (1 of 4 stars; one submission).

Submission:

GeneDx
Classification: Uncertain significance. Last evaluated: 2024-08-15. Review status: criteria provided, single submitter. Criteria: GeneDx Variant Classification Process June 2021. Collection method: clinical testing. Allele origin: germline. Affected: yes.
Comment: Not observed at significant frequency in large population cohorts (gnomAD); In silico analysis supports that this missense variant has a deleterious effect on protein structure/function; Has not been previously published as pathogenic or benign to our knowledge

NM_001999.4(FBN2):c.3025G>A (p.Glu1009Lys)

Genes: FBN2 (fibrillin 2; minus strand), LOC126807501 (BRD4-independent group 4 enhancer GRCh37_chr5:127680731-127681930; plus strand). Cytogenetic location: 5q23.3.
Variant type: single nucleotide variant.
Coding change: c.3025G>A on transcript NM_001999.4 (MANE Select); coding-DNA position 3025, G replaced by A.
Protein change: p.Glu1009Lys; replaces glutamic acid 1009 with lysine.
Molecular consequence: missense variant.
Genome position (GRCh38, 1-based): chr5:128,345,549, C>T on the plus strand (G>A on the coding strand, the complement: FBN2 is on the minus strand). VCF-style: chr5-128345549-C-T. GRCh37 (hg19) VCF-style: chr5-127681241-C-T.
Other names: short protein forms E1009K.
Identifiers: ClinVar variation 3731254 (VCV003731254.1).